The following is an entry in ClinVar:

ClinVar aggregate classification (germline): Likely benign (1 of 4 stars; one submission).

Allele frequency attached by ClinVar (database versions not stated): 1000 Genomes Project 30x 0.00468; TOPMed 0.00554; 1000 Genomes Project 0.00379; gnomAD 0.00504 and 0.00543.

Submission:

GeneDx
Classification: Likely benign. Last evaluated: 2018-06-16. Review status: criteria provided, single submitter. Criteria: GeneDx Variant Classification (06012015). Collection method: clinical testing. Allele origin: germline. Affected: yes.
Comment: This variant is considered likely benign or benign based on one or more of the following criteria: it is a conservative change, it occurs at a poorly conserved position in the protein, it is predicted to be benign by multiple in silico algorithms, and/or has population frequency not consistent with disease.

NM_001909.4(CTSD):c.-278G>A

Genes: CTSD (cathepsin D; minus strand), LOC130005119 (ATAC-STARR-seq lymphoblastoid silent region 3058; plus strand). Cytogenetic location: 11p15.5.
Variant type: single nucleotide variant.
Coding change: c.-278G>A on transcript NM_001909.4; 278 bases upstream of the start codon, G replaced by A.
Genome position (GRCh38, 1-based): chr11:1,764,137, C>T on the plus strand (G>A on the coding strand, the complement: CTSD is on the minus strand). VCF-style: chr11-1764137-C-T. GRCh37 (hg19) VCF-style: chr11-1785367-C-T.
Identifiers: ClinVar variation 678186 (VCV000678186.3), dbSNP rs536065000, ClinGen allele CA216184016.
Genomic context (GRCh38, chr11:1,764,137, plus strand): 5'-GCGCCTGCCGCGCCTACAGTTCCCGCCGCTCGCGCCCGCGGGGTCAGCCCGGCCCAGCTT[C>T]TGGGGTCTGGAGGATTCCCGTTTCGGCCTGGCCTGGGGTCGTGGGGCGGCCCACCCTGGA-3'